The following is an entry in ClinVar:

NM_022124.6(CDH23):c.1134+22C>T

Gene: CDH23 (cadherin related 23; plus strand). Cytogenetic location: 10q22.1.
Variant type: single nucleotide variant.
Coding change: c.1134+22C>T on transcript NM_022124.6 (MANE Select); 22 bases into the intron after coding-DNA position 1134, C replaced by T.
Molecular consequence: intron variant. On other transcripts: missense variant (1).
Genome position (GRCh38, 1-based): chr10:71,617,415, C>T. VCF-style: chr10-71617415-C-T. GRCh37 (hg19) VCF-style: chr10-73377172-C-T.
Other names: c.1156C>T, p.Pro386Ser (NM_001171932.2); c.1134+22C>T (NM_001171930.2, NM_001171931.2, NM_052836.4); short protein forms P386S.
Identifiers: ClinVar variation 44116 (VCV000044116.11), dbSNP rs115745871, ClinGen allele CA133612.

ClinVar aggregate classification (germline): Benign/Likely benign. Review status: criteria provided, multiple submitters, no conflicts (2 of 4 stars). 7 submissions from 7 submitters: Benign (1); Likely benign (3). 3 of the submissions do not count toward it. Last evaluated 2024-11-13.

Conditions:
CDH23-related disorder. Also called: CDH23-related disorders; CDH23-related condition.

Allele frequency attached by ClinVar (database versions not stated): gnomAD exomes 0.00056 and 0.00137; ExAC 0.00219; 1000 Genomes Project 0.00639; gnomAD 0.00639 and 0.00690; TOPMed 0.00679; ESP Exome Variant Server 0.00691; 1000 Genomes Project 30x 0.00718.
gnomAD v4.1: 1,811 of 1,609,368 alleles (0.11%); highest among the groups gnomAD compares: African/African-American, 2.2%; 17 homozygotes.

Submissions (7):

Blueprint Genetics
Classification: Likely benign. Last evaluated: 2024-11-13. Review status: criteria provided, single submitter. Criteria: ACMG Guidelines, 2015. Collection method: clinical testing. Allele origin: germline.

GeneDx
Classification: Likely benign. Last evaluated: 2016-04-11. Review status: criteria provided, single submitter. Criteria: GeneDx Variant Classification (06012015). Collection method: clinical testing. Allele origin: germline. Affected: yes.
Comment: This variant is considered likely benign or benign based on one or more of the following criteria: it is a conservative change, it occurs at a poorly conserved position in the protein, it is predicted to be benign by multiple in silico algorithms, and/or has population frequency not consistent with disease.

Laboratory for Molecular Medicine, Mass General Brigham Personalized Medicine
Classification: Benign. Last evaluated: 2012-05-07. Review status: criteria provided, single submitter. Criteria: LMM Criteria. Collection method: clinical testing. Allele origin: germline. Observed: 9 variant alleles.
Comment: Pro386Ser in Exon 11 of CDH23: This variant is not expected to have clinical sig nificance because it has been identified in 2.0% (72/3578) of African American c hromosomes from a broad population by the NHLBI Exome Sequencing Project (dbSNP rs115745871).

Breakthrough Genomics
Classification: Likely benign. Review status: criteria provided, single submitter. Criteria: ACMG Guidelines, 2015. Collection method: not provided. Allele origin: germline. Inheritance: Autosomal recessive inheritance. Affected: yes.

PreventionGenetics, part of Exact Sciences
Classification: Benign for CDH23-related condition. Last evaluated: 2019-06-05. Review status: no assertion criteria provided. Collection method: clinical testing. Allele origin: germline. Not counted in ClinVar's aggregate classification.
Comment: This variant is classified as benign based on ACMG/AMP sequence variant interpretation guidelines (Richards et al. 2015 PMID: 25741868, with internal and published modifications).

Clinical Genetics DNA and cytogenetics Diagnostics Lab, Erasmus MC, Erasmus Medical Center
Classification: Benign. Review status: no assertion criteria provided. Collection method: clinical testing. Allele origin: germline. Affected: yes. Study: VKGL Data-share Consensus. Not counted in ClinVar's aggregate classification.

Clinical Genetics, Academic Medical Center
Classification: Benign. Review status: no assertion criteria provided. Collection method: clinical testing. Allele origin: germline. Affected: yes. Study: VKGL Data-share Consensus. Not counted in ClinVar's aggregate classification.